The following is an entry in ClinVar:

ClinVar aggregate classification (germline): Uncertain significance (1 of 4 stars; one submission).

Allele frequency attached by ClinVar (database versions not stated): gnomAD 0.00001; gnomAD exomes 0.00001; TOPMed 0.00001.
gnomAD v4.1: 7 of 1,613,988 alleles (0.00043%); highest among the groups gnomAD compares: Non-Finnish European, 0.00051%; no homozygotes.

Submission:

Labcorp Genetics (formerly Invitae), Labcorp
Classification: Uncertain significance. Last evaluated: 2025-04-22. Review status: criteria provided, single submitter. Criteria: Invitae Variant Classification Sherloc (09022015). Collection method: clinical testing. Allele origin: germline.
Comment: This sequence change replaces serine, which is neutral and polar, with proline, which is neutral and non-polar, at codon 862 of the TJP2 protein (p.Ser862Pro). This variant is present in population databases (no rsID available, gnomAD 0.0009%). This variant has not been reported in the literature in individuals affected with TJP2-related conditions. ClinVar contains an entry for this variant (Variation ID: 1930579). Invitae Evidence Modeling of protein sequence and biophysical properties (such as structural, functional, and spatial information, amino acid conservation, physicochemical variation, residue mobility, and thermodynamic stability) indicates that this missense variant is not expected to disrupt TJP2 protein function with a negative predictive value of 80%. In summary, the available evidence is currently insufficient to determine the role of this variant in disease. Therefore, it has been classified as a Variant of Uncertain Significance.

NM_004817.4(TJP2):c.2584T>C (p.Ser862Pro)

Gene: TJP2 (tight junction protein 2; plus strand). Cytogenetic location: 9q21.11.
Variant type: single nucleotide variant.
Coding change: c.2584T>C on transcript NM_004817.4 (MANE Select); coding-DNA position 2584, T replaced by C.
Protein change: p.Ser862Pro; replaces serine 862 with proline.
Molecular consequence: missense variant.
Genome position (GRCh38, 1-based): chr9:69,246,707, T>C. VCF-style: chr9-69246707-T-C. GRCh37 (hg19) VCF-style: chr9-71861623-T-C.
Other names: c.2515T>C, p.Ser839Pro (NM_001170414.2, NM_001369871.1); c.2596T>C, p.Ser866Pro (NM_001170415.1, NM_001369874.1, NM_001369875.1); c.2677T>C, p.Ser893Pro (NM_001170416.2); c.2509T>C, p.Ser837Pro (NM_001369870.1); c.2584T>C, p.Ser862Pro (NM_001369872.1, NM_001369873.1, NM_201629.3); short protein forms S837P, S839P, S893P, S862P, S866P.
Identifiers: ClinVar variation 1930579 (VCV001930579.5), dbSNP rs1363011065, ClinGen allele CA373536132.